The following is an entry in ClinVar:

ClinVar aggregate classification (germline): Uncertain significance. Review status: criteria provided, multiple submitters, no conflicts (2 of 4 stars). 2 submissions from 2 submitters: Uncertain significance (2). Last evaluated 2025-08-09.

Conditions:
Atrial fibrillation, familial, 7 (ATFB7). Identifiers: MedGen C2677106, MONDO:0012828, OMIM 612240.
Inborn genetic diseases. Identifiers: MedGen C0950123, MeSH D030342.

Allele frequency attached by ClinVar (database versions not stated): gnomAD exomes below 0.00001; gnomAD 0.00001; ExAC 0.00002; TOPMed 0.00002; ESP Exome Variant Server 0.00008.

Submissions (2):

Labcorp Genetics (formerly Invitae), Labcorp
Classification: Uncertain significance for Atrial fibrillation, familial, 7. Last evaluated: 2025-08-09. Review status: criteria provided, single submitter. Criteria: Invitae Variant Classification Sherloc (09022015). Collection method: clinical testing. Allele origin: germline.
Comment: This sequence change replaces leucine, which is neutral and non-polar, with proline, which is neutral and non-polar, at codon 315 of the KCNA5 protein (p.Leu315Pro). This variant is present in population databases (rs376267506, gnomAD 0.02%). This variant has not been reported in the literature in individuals affected with KCNA5-related conditions. ClinVar contains an entry for this variant (Variation ID: 2726577). An algorithm developed to predict the effect of missense changes on protein structure and function (PolyPhen-2) suggests that this variant is likely to be tolerated. In summary, the available evidence is currently insufficient to determine the role of this variant in disease. Therefore, it has been classified as a Variant of Uncertain Significance.

Ambry Genetics
Classification: Uncertain significance for Inborn genetic diseases. Last evaluated: 2024-08-11. Review status: criteria provided, single submitter. Criteria: Ambry Variant Classification Scheme 2023. Collection method: clinical testing. Allele origin: germline.

NM_002234.4(KCNA5):c.944T>C (p.Leu315Pro)

Gene: KCNA5 (potassium voltage-gated channel subfamily A member 5; plus strand). Cytogenetic location: 12p13.32.
Variant type: single nucleotide variant.
Coding change: c.944T>C on transcript NM_002234.4 (MANE Select); coding-DNA position 944, T replaced by C.
Protein change: p.Leu315Pro; replaces leucine 315 with proline.
Molecular consequence: missense variant.
Genome position (GRCh38, 1-based): chr12:5,045,091, T>C. VCF-style: chr12-5045091-T-C. GRCh37 (hg19) VCF-style: chr12-5154257-T-C.
Other names: c.944T>C (NM_002234.2); short protein forms L315P.
Identifiers: ClinVar variation 2726577 (VCV002726577.4), dbSNP rs376267506, ClinGen allele CA6399765.
Genomic context (GRCh38, chr12:5,045,091, plus strand): 5'-CCCCTGGGGCCAACGGCAGCGGGGTCATGGCCCCGCCCTCTGGCCCTACGGTGGCACCGC[T>C]CCTGCCCAGGACCCTGGCCGACCCCTTCTTCATCGTGGAGACCACGTGCGTCATCTGGTT-3'
Protein context (NP_002225.2, residues 305-325): APPSGPTVAP[Leu315Pro]LPRTLADPFF